The following is an entry in ClinVar:

NM_006516.4(SLC2A1):c.92G>A (p.Gly31Glu)

Gene: SLC2A1 (solute carrier family 2 member 1; minus strand). Cytogenetic location: 1p34.2.
Variant type: single nucleotide variant.
Coding change: c.92G>A on transcript NM_006516.4 (MANE Select); coding-DNA position 92, G replaced by A.
Protein change: p.Gly31Glu; replaces glycine 31 with glutamic acid.
Molecular consequence: missense variant.
Genome position (GRCh38, 1-based): chr1:42,943,248, C>T on the plus strand (G>A on the coding strand, the complement: SLC2A1 is on the minus strand). VCF-style: chr1-42943248-C-T. GRCh37 (hg19) VCF-style: chr1-43408919-C-T.
Other names: short protein forms G31E.
Identifiers: ClinVar variation 581897 (VCV000581897.9), dbSNP rs1557651185, ClinGen allele CA339964771.
Genomic context (GRCh38, chr1:42,943,248, plus strand): 5'-GGCTGGTGTCCATAAGCCAACGATGGCACAGTACTCACCTTCTGGGGGGCATTGATGACT[C>T]CAGTGTTGTAGCCAAACTGCAGGGAGCCAAGCACTGCTCCTCCCACGGCCAGCATGAGGC-3'
Protein context (NP_006507.2, residues 21-41): LGSLQFGYNT[Gly31Glu]VINAPQKVIE

ClinVar aggregate classification (germline): Uncertain significance (1 of 4 stars; one submission).

Conditions:
GLUT1 deficiency syndrome 1, autosomal recessive. Identifiers: MedGen C3149117.

Submission:

Labcorp Genetics (formerly Invitae), Labcorp
Classification: Uncertain significance for GLUT1 deficiency syndrome 1, autosomal recessive. Last evaluated: 2018-05-03. Review status: criteria provided, single submitter. Criteria: Invitae Variant Classification Sherloc (09022015). Collection method: clinical testing. Allele origin: germline.
Comment: In summary, the available evidence is currently insufficient to determine the role of this variant in disease. Therefore, it has been classified as a Variant of Uncertain Significance. Algorithms developed to predict the effect of missense changes on protein structure and function do not agree on the potential impact of this missense change (SIFT: "Deleterious"; PolyPhen-2: "Probably Damaging"; Align-GVGD: "Class C15"). This variant has not been reported in the literature in individuals with SLC2A1-related disease. This variant is not present in population databases (ExAC no frequency). This sequence change replaces glycine with glutamic acid at codon 31 of the SLC2A1 protein (p.Gly31Glu). The glycine residue is highly conserved and there is a moderate physicochemical difference between glycine and glutamic acid.